The following is an entry in ClinVar:

NM_000277.3(PAH):c.1117G>A (p.Ala373Thr)

Gene: PAH (phenylalanine hydroxylase; minus strand). Cytogenetic location: 12q23.2.
Variant type: single nucleotide variant.
Coding change: c.1117G>A on transcript NM_000277.3 (MANE Select); coding-DNA position 1117, G replaced by A.
Protein change: p.Ala373Thr; replaces alanine 373 with threonine.
Molecular consequence: missense variant.
Genome position (GRCh38, 1-based): chr12:102,843,728, C>T on the plus strand (G>A on the coding strand, the complement: PAH is on the minus strand). VCF-style: chr12-102843728-C-T. GRCh37 (hg19) VCF-style: chr12-103237506-C-T.
Other names: NM_000277.3(PAH):c.1117G>A; p.Ala373Thr; c.1117G>A, p.Ala373Thr (NM_001354304.2); c.1117G>A (NM_000277.2); short protein forms A373T.
Identifiers: ClinVar variation 102529 (VCV000102529.6), dbSNP rs62508717, ClinGen allele CA229351.

ClinVar aggregate classification (germline): Likely pathogenic. Review status: reviewed by expert panel (3 of 4 stars). 5 submissions from 5 submitters: Likely pathogenic (1). 4 of the submissions do not count toward it. Last evaluated 2022-06-12.

Conditions:
Phenylketonuria (PKU). Also called: Phenylketonuria (PKU); FOLLING DISEASE; OLIGOPHRENIA PHENYLPYRUVICA; Phenylketonurias. Identifiers: Orphanet 716, MedGen C0031485, MONDO:0009861, OMIM 261600. Disease mechanism: loss of function.

Allele frequency attached by ClinVar (database versions not stated): gnomAD exomes below 0.00001.
gnomAD v4.1: 1 of 1,613,738 alleles (0.000062%); highest among the groups gnomAD compares: East Asian, 0.0022%; no homozygotes.

Submissions (5):

ClinGen PAH Variant Curation Expert Panel
Classification: Likely pathogenic for Phenylketonuria. Last evaluated: 2022-06-12. Review status: reviewed by expert panel. Criteria: ClinGen PAH ACMG Specifications v1. Collection method: curation. Allele origin: germline. Inheritance: Autosomal recessive inheritance.
Comment: The c.1117G>A (p.Ala373Thr) variant in PAH has been reported in multiple individuals with mild HPA (BH4 deficiency excluded, PP4_Moderate). This variant is absent in population databases (PM2). This variant was detected with pathogenic variants c.442-1G>A (PMID: 10484807) and in trans with p.Arg261Gln (PMID: 29316886). Computational evidence is conflicting. In summary, this variant meets criteria to be classified as likely pathogenic for PAH. PAH-specific ACMG/AMP criteria applied: PP4_Moderate, PM2, PM3.

Natera, Inc.
Classification: Likely pathogenic for Phenylketonuria. Last evaluated: 2024-05-21. Review status: criteria provided, single submitter. Criteria: Natera Variant Classification Schema (03/2026). Collection method: clinical testing. Allele origin: germline. Not counted in ClinVar's aggregate classification.
Comment: The c.1117G>A variant in PAH is a missense variant predicted to cause substitution of alanine to threonine at amino acid 373. This variant is rare in the general population with a frequency below the threshold expected for the associated phenotype(s). This variant has been observed in one or more individuals affected with the associated recessive disease, as either homozygous or compound heterozygous with a second variant (PMID: 30050108, 10484807). Computational prediction algorithms indicate this variant is likely to affect gene or protein function. Given the available evidence, this variant is classified as Likely Pathogenic.

Baylor Genetics
Classification: Likely pathogenic for Phenylketonuria. Last evaluated: 2023-12-28. Review status: criteria provided, single submitter. Criteria: ACMG Guidelines, 2015. Collection method: clinical testing. Allele origin: unknown. Not counted in ClinVar's aggregate classification.

Juno Genomics, Hangzhou Juno Genomics, Inc
Classification: Likely pathogenic for Phenylketonuria. Review status: criteria provided, single submitter. Criteria: ACMG Guidelines, 2015. Collection method: clinical testing. Allele origin: germline. Affected: yes. Not counted in ClinVar's aggregate classification.
Comment: Absent from controls (or at extremely low frequency if recessive) in Genome Aggregation Database, Exome Sequencing Project, 1000 Genomes Project, or Exome Aggregation Consortium.;Multiple lines of computational evidence support a deleterious effect on the gene or gene product (conservation, evolutionary, splicing impact, etc).;For recessive disorders, detected in trans with a pathogenic variant.;Patient's phenotype or family history is highly specific for a disease with a single genetic etiology.

DeBelle Laboratory for Biochemical Genetics, MUHC/MCH RESEARCH INSTITUTE
No classification provided. Review status: no classification provided. Collection method: not provided. Allele origin: not provided. Not counted in ClinVar's aggregate classification.

Literature cited by the submitters: PubMed 30050108 (cited by Natera, Inc.); PubMed 10484807 (cited by Natera, Inc.).